The following is an entry in ClinVar:

NM_001772.4(CD33):c.185G>A (p.Arg62Gln)

Gene: CD33 (CD33 molecule; plus strand). Cytogenetic location: 19q13.41.
Variant type: single nucleotide variant.
Coding change: c.185G>A on transcript NM_001772.4 (MANE Select); coding-DNA position 185, G replaced by A.
Protein change: p.Arg62Gln; replaces arginine 62 with glutamine.
Molecular consequence: missense variant. On other transcripts: intron variant (1).
Genome position (GRCh38, 1-based): chr19:51,225,365, G>A. VCF-style: chr19-51225365-G-A. GRCh37 (hg19) VCF-style: chr19-51728621-G-A.
Other names: c.185G>A, p.Arg62Gln (NM_001177608.2); c.37+210G>A (NM_001082618.2); short protein forms R62Q.
Identifiers: ClinVar variation 789670 (VCV000789670.5), dbSNP rs144102805, ClinGen allele CA9609576.

ClinVar aggregate classification (germline): Likely benign. Review status: criteria provided, multiple submitters, no conflicts (2 of 4 stars). 3 submissions from 3 submitters: Likely benign (2). 1 of the submissions does not count toward it. Last evaluated 2018-06-05.

Conditions:
CD33-related disorder. Also called: CD33-related condition.

Allele frequency attached by ClinVar (database versions not stated): gnomAD exomes 0.00014 and 0.00037; ExAC 0.00042; 1000 Genomes Project 30x 0.00078; 1000 Genomes Project 0.00080; TOPMed 0.00140; gnomAD 0.00142 and 0.00154; ESP Exome Variant Server 0.00177.

Submissions (3):

Labcorp Genetics (formerly Invitae), Labcorp
Classification: Likely benign. Last evaluated: 2018-06-05. Review status: criteria provided, single submitter. Criteria: Invitae Variant Classification Sherloc (09022015). Collection method: clinical testing. Allele origin: germline.

Breakthrough Genomics
Classification: Likely benign. Review status: criteria provided, single submitter. Criteria: ACMG Guidelines, 2015. Collection method: not provided. Allele origin: germline. Inheritance: Unknown mechanism. Affected: yes.

PreventionGenetics, part of Exact Sciences
Classification: Likely benign for CD33-related condition. Last evaluated: 2024-07-28. Review status: no assertion criteria provided. Collection method: clinical testing. Allele origin: germline. Not counted in ClinVar's aggregate classification.
Comment: This variant is classified as likely benign based on ACMG/AMP sequence variant interpretation guidelines (Richards et al. 2015 PMID: 25741868, with internal and published modifications).